The following is an entry in ClinVar:

NM_020975.6(RET):c.2915G>A (p.Arg972Lys)

Gene: RET (ret proto-oncogene; plus strand). Cytogenetic location: 10q11.21.
Variant type: single nucleotide variant.
Coding change: c.2915G>A on transcript NM_020975.6 (MANE Select); coding-DNA position 2915, G replaced by A.
Protein change: p.Arg972Lys; replaces arginine 972 with lysine.
Molecular consequence: missense variant.
Genome position (GRCh38, 1-based): chr10:43,123,784, G>A. VCF-style: chr10-43123784-G-A. GRCh37 (hg19) VCF-style: chr10-43619232-G-A.
Other names: c.2915G>A, p.Arg972Lys (NM_000323.2, NM_001406743.1, NM_001406744.1 and 4 more transcripts); c.2153G>A, p.Arg718Lys (NM_001355216.2); c.2786G>A, p.Arg929Lys (NM_001406761.1, NM_001406762.1, NM_001406764.1); c.2780G>A, p.Arg927Lys (NM_001406763.1, NM_001406765.1); c.2627G>A, p.Arg876Lys (NM_001406766.1, NM_001406767.1, NM_001406770.1); c.2651G>A, p.Arg884Lys (NM_001406768.1); c.2519G>A, p.Arg840Lys (NM_001406769.1, NM_001406772.1); c.2477G>A, p.Arg826Lys (NM_001406771.1, NM_001406773.1); and 10 more; short protein forms R718K, R972K, R537K, R577K, R628K, R730K, R927K, R673K.
Identifiers: ClinVar variation 1337771 (VCV001337771.15), dbSNP rs1384605415, ClinGen allele CA376557948.

ClinVar aggregate classification (germline): Uncertain significance. Review status: criteria provided, multiple submitters, no conflicts (2 of 4 stars). 3 submissions from 3 submitters: Uncertain significance (3). Last evaluated 2025-11-04.

Conditions:
Hereditary cancer-predisposing syndrome. Also called: Neoplastic Syndromes, Hereditary; Tumor predisposition; Hereditary Cancer Syndrome; Hereditary neoplastic syndrome. Identifiers: Orphanet 140162, MedGen C0027672, MeSH D009386, MONDO:0015356.
Multiple endocrine neoplasia, type 2 (MEN2). Identifiers: Orphanet 653, MedGen C4048306, MONDO:0019003. Disease mechanism: gain of function.

Allele frequency attached by ClinVar (database versions not stated): gnomAD exomes below 0.00001; gnomAD 0.00001.
gnomAD v4.1: 2 of 1,614,042 alleles (0.00012%); highest among the groups gnomAD compares: Non-Finnish European, 0.00017%; no homozygotes.

Submissions (3):

Labcorp Genetics (formerly Invitae), Labcorp
Classification: Uncertain significance for Multiple endocrine neoplasia, type 2. Last evaluated: 2025-11-04. Review status: criteria provided, single submitter. Criteria: Invitae Variant Classification Sherloc (09022015). Collection method: clinical testing. Allele origin: germline.
Comment: This sequence change replaces arginine, which is basic and polar, with lysine, which is basic and polar, at codon 972 of the RET protein (p.Arg972Lys). This variant is present in population databases (no rsID available, gnomAD 0.007%). This variant has not been reported in the literature in individuals affected with RET-related conditions. ClinVar contains an entry for this variant (Variation ID: 1337771). An algorithm developed to predict the effect of missense changes on protein structure and function outputs the following: PolyPhen-2: "Benign". The lysine amino acid residue is found in multiple mammalian species, which suggests that this missense change does not adversely affect protein function. In summary, the available evidence is currently insufficient to determine the role of this variant in disease. Therefore, it has been classified as a Variant of Uncertain Significance.

Ambry Genetics
Classification: Uncertain significance for Hereditary cancer-predisposing syndrome. Last evaluated: 2023-12-13. Review status: criteria provided, single submitter. Criteria: Ambry Variant Classification Scheme 2023. Collection method: clinical testing. Allele origin: germline.
Comment: The p.R972K variant (also known as c.2915G>A), located in coding exon 17 of the RET gene, results from a G to A substitution at nucleotide position 2915. The arginine at codon 972 is replaced by lysine, an amino acid with highly similar properties. This amino acid position is not well conserved in available vertebrate species. In addition, this alteration is predicted to be tolerated by in silico analysis. Since supporting evidence is limited at this time, the clinical significance of this alteration remains unclear.

Genetic Services Laboratory, University of Chicago
Classification: Uncertain significance. Last evaluated: 2021-05-27. Review status: criteria provided, single submitter. Criteria: ACMG Guidelines, 2015. Collection method: clinical testing. Allele origin: germline. Affected: no.
Comment: This sequence change does not appear to have been previously described in patients with RET-related disorders and has been described in the gnomAD database in one individual with an overall population frequency of 0.0032% (dbSNP rs1384605415). The p.Arg972Lys change affects a moderately conserved amino acid residue located in a domain of the RET protein that is known to be functional. The p.Arg972Lys substitution appears to be benign using several in-silico pathogenicity prediction tools (SIFT, PolyPhen2, Align GVGD, REVEL). Due to these contrasting evidences and the lack of functional studies, the clinical significance of the p.Arg972Lys change remains unknown at this time.